The following is an entry in ClinVar:

NM_002439.5(MSH3):c.3377T>C (p.Phe1126Ser)

Gene: MSH3 (mutS homolog 3; plus strand). Cytogenetic location: 5q14.1.
Variant type: single nucleotide variant.
Coding change: c.3377T>C on transcript NM_002439.5 (MANE Select); coding-DNA position 3377, T replaced by C.
Protein change: p.Phe1126Ser; replaces phenylalanine 1126 with serine.
Molecular consequence: missense variant.
Genome position (GRCh38, 1-based): chr5:80,875,825, T>C. VCF-style: chr5-80875825-T-C. GRCh37 (hg19) VCF-style: chr5-80171644-T-C.
Other names: short protein forms F1126S.
Identifiers: ClinVar variation 1395936 (VCV001395936.8), dbSNP rs2112131881, ClinGen allele CA360347434.
Genomic context (GRCh38, chr5:80,875,825, plus strand): 5'-ATTTTGCAAAGTTATGGACGATGCATAATGCACAAGACCTGCAGAAGTGGACAGAGGAGT[T>C]CAACATGGAAGAAACACAGACTTCTCTTCTTCATTAAAATGAAGACTACATTTGTGAACA-3'
Protein context (NP_002430.3, residues 1116-1136): AQDLQKWTEE[Phe1126Ser]NMEETQTSLL

ClinVar aggregate classification (germline): Uncertain significance (1 of 4 stars; one submission).

Submission:

Labcorp Genetics (formerly Invitae), Labcorp
Classification: Uncertain significance. Last evaluated: 2020-12-07. Review status: criteria provided, single submitter. Criteria: Invitae Variant Classification Sherloc (09022015). Collection method: clinical testing. Allele origin: germline.
Comment: This variant is not present in population databases (ExAC no frequency). In summary, the available evidence is currently insufficient to determine the role of this variant in disease. Therefore, it has been classified as a Variant of Uncertain Significance. Algorithms developed to predict the effect of missense changes on protein structure and function (SIFT, PolyPhen-2, Align-GVGD) all suggest that this variant is likely to be tolerated, but these predictions have not been confirmed by published functional studies and their clinical significance is uncertain. This variant has not been reported in the literature in individuals with MSH3-related conditions. This sequence change replaces phenylalanine with serine at codon 1126 of the MSH3 protein (p.Phe1126Ser). The phenylalanine residue is weakly conserved and there is a large physicochemical difference between phenylalanine and serine.